The following is an entry in ClinVar:

ClinVar aggregate classification (germline): Likely benign. Review status: criteria provided, single submitter (1 of 4 stars). 2 submissions from 2 submitters: Likely benign (1). 1 of the submissions does not count toward it. Last evaluated 2026-09-01.

Conditions:
CACNA1I-related disorder. Also called: CACNA1I-related condition.

gnomAD v4.1: 9,567 of 1,613,660 alleles (0.59%); highest among the groups gnomAD compares: Non-Finnish European, 0.73%; 40 homozygotes.

Submissions (2):

CeGaT Center for Human Genetics Tuebingen
Classification: Likely benign. Last evaluated: 2026-09-01. Review status: criteria provided, single submitter. Criteria: CeGaT Center For Human Genetics Tuebingen Variant Classification Criteria Version 2. Collection method: clinical testing. Allele origin: germline. Affected: yes. Observed: 4 variant alleles.
Comment: CACNA1I: BP4, BS2

PreventionGenetics, part of Exact Sciences
Classification: Benign for CACNA1I-related condition. Last evaluated: 2024-03-13. Review status: no assertion criteria provided. Collection method: clinical testing. Allele origin: germline. Not counted in ClinVar's aggregate classification.
Comment: This variant is classified as benign based on ACMG/AMP sequence variant interpretation guidelines (Richards et al. 2015 PMID: 25741868, with internal and published modifications).

NM_021096.4(CACNA1I):c.1513C>A (p.His505Asn)

Gene: CACNA1I (calcium voltage-gated channel subunit alpha1 I; plus strand). Cytogenetic location: 22q13.1.
Variant type: single nucleotide variant.
Coding change: c.1513C>A on transcript NM_021096.4 (MANE Select); coding-DNA position 1513, C replaced by A.
Protein change: p.His505Asn; replaces histidine 505 with asparagine.
Molecular consequence: missense variant. On other transcripts: intron variant (1).
Genome position (GRCh38, 1-based): chr22:39,647,872, C>A. VCF-style: chr22-39647872-C-A. GRCh37 (hg19) VCF-style: chr22-40043877-C-A.
Other names: c.1462+991C>A (NM_001003406.2); short protein forms H505N.
Identifiers: ClinVar variation 3352631 (VCV003352631.9).